The following is an entry in ClinVar:

NM_001206999.2(CIT):c.1811C>A (p.Thr604Lys)

Gene: CIT (citron rho-interacting serine/threonine kinase; minus strand). Cytogenetic location: 12q24.23.
Variant type: single nucleotide variant.
Coding change: c.1811C>A on transcript NM_001206999.2 (MANE Select); coding-DNA position 1811, C replaced by A.
Protein change: p.Thr604Lys; replaces threonine 604 with lysine.
Molecular consequence: missense variant.
Genome position (GRCh38, 1-based): chr12:119,776,697, G>T on the plus strand (C>A on the coding strand, the complement: CIT is on the minus strand). VCF-style: chr12-119776697-G-T. GRCh37 (hg19) VCF-style: chr12-120214501-G-T.
Other names: c.1811C>A, p.Thr604Lys (NM_007174.3); short protein forms T604K.
Identifiers: ClinVar variation 2093170 (VCV002093170.4), dbSNP rs2502133465, ClinGen allele CA386544542.

ClinVar aggregate classification (germline): Uncertain significance (1 of 4 stars; one submission).

Submission:

Labcorp Genetics (formerly Invitae), Labcorp
Classification: Uncertain significance. Last evaluated: 2022-05-14. Review status: criteria provided, single submitter. Criteria: Invitae Variant Classification Sherloc (09022015). Collection method: clinical testing. Allele origin: germline.
Comment: This sequence change replaces threonine, which is neutral and polar, with lysine, which is basic and polar, at codon 604 of the CIT protein (p.Thr604Lys). This variant is not present in population databases (gnomAD no frequency). This variant has not been reported in the literature in individuals affected with CIT-related conditions. Algorithms developed to predict the effect of missense changes on protein structure and function are either unavailable or do not agree on the potential impact of this missense change (SIFT: "Deleterious"; PolyPhen-2: "Benign"; Align-GVGD: "Class C0"). In summary, the available evidence is currently insufficient to determine the role of this variant in disease. Therefore, it has been classified as a Variant of Uncertain Significance.